The following is an entry in ClinVar:

ClinVar aggregate classification (germline): Uncertain significance (1 of 4 stars; one submission).

Conditions:
Myoclonic dystonia 26. Identifiers: MedGen C4225341, MONDO:0014620, OMIM 616398.

Submission:

Labcorp Genetics (formerly Invitae), Labcorp
Classification: Uncertain significance for Myoclonic dystonia 26. Last evaluated: 2024-09-10. Review status: criteria provided, single submitter. Criteria: Invitae Variant Classification Sherloc (09022015). Collection method: clinical testing. Allele origin: germline.
Comment: This sequence change replaces alanine, which is neutral and non-polar, with valine, which is neutral and non-polar, at codon 7 of the KCTD17 protein (p.Ala7Val). This variant is not present in population databases (gnomAD no frequency). This variant has not been reported in the literature in individuals affected with KCTD17-related conditions. An algorithm developed to predict the effect of missense changes on protein structure and function (PolyPhen-2) suggests that this variant is likely to be disruptive. In summary, the available evidence is currently insufficient to determine the role of this variant in disease. Therefore, it has been classified as a Variant of Uncertain Significance.

NM_001282684.2(KCTD17):c.-2C>T

Genes: KCTD17 (potassium channel tetramerization domain containing 17; plus strand), LOC130067340 (ATAC-STARR-seq lymphoblastoid silent region 13677; plus strand). Cytogenetic location: 22q12.3.
Variant type: single nucleotide variant.
Coding change: c.-2C>T on transcript NM_001282684.2 (MANE Select); 2 bases upstream of the start codon, C replaced by T.
Molecular consequence: 5 prime UTR variant.
Genome position (GRCh38, 1-based): chr22:37,051,759, C>T. VCF-style: chr22-37051759-C-T. GRCh37 (hg19) VCF-style: chr22-37447799-C-T.
Other names: c.-2C>T (NM_001282685.2, NM_001282686.2, NM_024681.4).
Identifiers: ClinVar variation 3714598 (VCV003714598.2).